The following is an entry in ClinVar:

ClinVar aggregate classification (germline): Uncertain significance (1 of 4 stars; one submission).

Conditions:
Charcot-Marie-Tooth disease type 2E (CMT2E). Also called: CHARCOT-MARIE-TOOTH DISEASE, AXONAL, TYPE 2E; CHARCOT-MARIE-TOOTH NEUROPATHY, TYPE 2E. Identifiers: Orphanet 99939, MedGen C1843225, MONDO:0011894, OMIM 607684.

Submission:

Labcorp Genetics (formerly Invitae), Labcorp
Classification: Uncertain significance for Charcot-Marie-Tooth disease type 2E. Last evaluated: 2024-10-07. Review status: criteria provided, single submitter. Criteria: Invitae Variant Classification Sherloc (09022015). Collection method: clinical testing. Allele origin: germline.
Comment: This sequence change replaces glutamic acid, which is acidic and polar, with alanine, which is neutral and non-polar, at codon 181 of the NEFL protein (p.Glu181Ala). This variant is not present in population databases (gnomAD no frequency). This variant has not been reported in the literature in individuals affected with NEFL-related conditions. Invitae Evidence Modeling of protein sequence and biophysical properties (such as structural, functional, and spatial information, amino acid conservation, physicochemical variation, residue mobility, and thermodynamic stability) indicates that this missense variant is not expected to disrupt NEFL protein function with a negative predictive value of 80%. In summary, the available evidence is currently insufficient to determine the role of this variant in disease. Therefore, it has been classified as a Variant of Uncertain Significance.

NM_006158.5(NEFL):c.542A>C (p.Glu181Ala)

Gene: NEFL (neurofilament light chain; minus strand). Cytogenetic location: 8p21.2.
Variant type: single nucleotide variant.
Coding change: c.542A>C on transcript NM_006158.5 (MANE Select); coding-DNA position 542, A replaced by C.
Protein change: p.Glu181Ala; replaces glutamic acid 181 with alanine.
Molecular consequence: missense variant.
Genome position (GRCh38, 1-based): chr8:24,955,974, T>G on the plus strand (A>C on the coding strand, the complement: NEFL is on the minus strand). VCF-style: chr8-24955974-T-G. GRCh37 (hg19) VCF-style: chr8-24813488-T-G.
Other names: short protein forms E181A.
Identifiers: ClinVar variation 2996572 (VCV002996572.3), dbSNP rs2486887009, ClinGen allele CA370622166.
Genomic context (GRCh38, chr8:24,955,974, plus strand): 5'-TCGTCGGCGCCTTTGCGCGCTTCCATCAGCCGGCCCTCGGCGTCCTCGCGGCTCAGCACC[T>G]CCTCTTCATAGCGCGCCTGCAGGTTGCGCAGGGTCTCCTCCAGCCCTTCGCGCTCGCCCT-3'
Protein context (NP_006149.2, residues 171-191): LRNLQARYEE[Glu181Ala]VLSREDAEGR